The following is an entry in ClinVar:

NM_000535.7(PMS2):c.936_958del (p.Met312fs)

Gene: PMS2 (PMS1 homolog 2, mismatch repair system component; minus strand). Cytogenetic location: 7p22.1.
Variant type: Deletion.
Coding change: c.936_958del on transcript NM_000535.7 (MANE Select); coding-DNA positions 936 to 958, 23 bases deleted (GTATAATCGACACCAGTATCCAT).
Protein change: p.Met312fs; shifts the reading frame from methionine 312.
Molecular consequence: frameshift variant. On other transcripts: initiator codon variant (2), non-coding transcript variant (1).
Genome position (GRCh38, 1-based): chr7:5,992,003-5,992,025, ATGGATACTGGTGTCGATTATAC deleted on the plus strand (GTATAATCGACACCAGTATCCAT on the coding strand, the reverse complement: PMS2 is on the minus strand); deleting any 23 consecutive bases within chr7:5,992,003-5,992,028 gives the same sequence; the c. name uses the placement nearest the transcript's 3' end. VCF-style (leftmost placement, unchanged base first): chr7-5992002-AATGGATACTGGTGTCGATTATAC-A. GRCh37 (hg19) VCF-style: chr7-6031633-AATGGATACTGGTGTCGATTATAC-A.
Other names: c.528_550del23, p.Met177Ilefs (NM_001018040.1, NM_001406887.1, NM_001406888.1 and 15 more transcripts); c.531_553del, p.Met177fs (NM_001322003.2, NM_001322004.2, NM_001322005.2 and 2 more transcripts); c.936_958del, p.Met312fs (NM_001322006.2, NM_001322014.2); c.618_640del, p.Met206fs (NM_001322007.2, NM_001322008.2); c.3_25del, p.Met1fs (NM_001322011.2, NM_001322012.2); c.363_385del, p.Met121fs (NM_001322013.2); c.627_649del, p.Met209fs (NM_001322015.2); c.1119_1141del23, p.Met374Ilefs (NM_001406866.1); and 13 more; short protein forms M177fs, M206fs, M121fs, M1fs, M312fs, M209fs.
Identifiers: ClinVar variation 1766682 (VCV001766682.3), dbSNP rs2536009025, ClinGen allele CA2580076777.

ClinVar aggregate classification (germline): Pathogenic (1 of 4 stars; one submission).

Conditions:
Hereditary cancer-predisposing syndrome. Also called: Hereditary Cancer Syndrome; Hereditary neoplastic syndrome; Neoplastic Syndromes, Hereditary; Tumor predisposition. Identifiers: Orphanet 140162, MedGen C0027672, MeSH D009386, MONDO:0015356.

Submission:

Ambry Genetics
Classification: Pathogenic for Hereditary cancer-predisposing syndrome. Last evaluated: 2017-12-19. Review status: criteria provided, single submitter. Criteria: Ambry Variant Classification Scheme 2023. Collection method: clinical testing. Allele origin: germline.
Comment: The c.936_958del23 pathogenic mutation, located in coding exon 9 of the PMS2 gene, results from a deletion of 23 nucleotides at nucleotide positions 936 to 958, causing a translational frameshift with a predicted alternate stop codon (p.M312Ifs*5). This alteration is expected to result in loss of function by premature protein truncation or nonsense-mediated mRNA decay. As such, this alteration is interpreted as a disease-causing mutation.